The following is an entry in ClinVar:

ClinVar aggregate classification (germline): Pathogenic (1 of 4 stars; one submission).

Conditions:
Familial thoracic aortic aneurysm and aortic dissection (TAAD). Also called: Thoracic aortic aneurysms and dissections. Identifiers: Orphanet 91387, MedGen C4707243, MONDO:0019625.

Submission:

Ambry Genetics
Classification: Pathogenic for Familial thoracic aortic aneurysm and aortic dissection. Last evaluated: 2021-05-13. Review status: criteria provided, single submitter. Criteria: Ambry Variant Classification Scheme 2023. Collection method: clinical testing. Allele origin: germline.
Comment: The p.C2622G pathogenic mutation (also known as c.7864T>G), located in coding exon 63 of the FBN1 gene, results from a T to G substitution at nucleotide position 7864. The cysteine at codon 2622 is replaced by glycine, an amino acid with highly dissimilar properties, and is located in the cbEGF-like #42 domain. Based on internal structural assessment, this alteration eliminates a structurally critical disulfide bond in the structurally sensitive cbEGF-like domain #42 (Ambry Internal Data). Two other alterations at the same codon, p.C2622R (c.7864T>C) and p.C2622S (c.7864T>A), have been reported in individuals with a clinical diagnosis of Marfan syndrome (Loeys B et al. Hum. Mutat., 2004 Aug;24:140-6; Haine E et al. J. Bone Miner. Res., 2015 Aug;30:1369-76). This variant is considered to be rare based on population cohorts in the Genome Aggregation Database (gnomAD). This alteration is predicted to be deleterious by BayesDel in silico analysis. Based on the supporting evidence, this alteration is interpreted as a disease-causing mutation.

NM_000138.5(FBN1):c.7864T>G (p.Cys2622Gly)

Gene: FBN1 (fibrillin 1; minus strand). Cytogenetic location: 15q21.1.
Variant type: single nucleotide variant.
Coding change: c.7864T>G on transcript NM_000138.5 (MANE Select); coding-DNA position 7864, T replaced by G.
Protein change: p.Cys2622Gly; replaces cysteine 2622 with glycine.
Molecular consequence: missense variant.
Genome position (GRCh38, 1-based): chr15:48,415,723, A>C on the plus strand (T>G on the coding strand, the complement: FBN1 is on the minus strand). VCF-style: chr15-48415723-A-C. GRCh37 (hg19) VCF-style: chr15-48707920-A-C.
Other names: c.7864T>G, p.Cys2622Gly (NM_001406716.1); short protein forms C2622G.
Identifiers: ClinVar variation 1760931 (VCV001760931.2), dbSNP rs1555393882, ClinGen allele CA392323374.
Genomic context (GRCh38, chr15:48,415,723, plus strand): 5'-ACTGTTCATACTGGAAGCCGGCGGGACACATGCACTTGTAGCTCCCCAGGGTGTTGTGAC[A>C]GGAGGCTCCTCCGCAGATGTGAGCGCTGAGGCATTCGTTTTCATCTGCAGGCAAAATAAG-3'
Protein context (NP_000129.3, residues 2612-2632): LSAHICGGAS[Cys2622Gly]HNTLGSYKCM